The following is an entry in ClinVar:

NM_018975.4(TERF2IP):c.746C>G (p.Ala249Gly)

Gene: TERF2IP (TERF2 interacting protein; plus strand). Cytogenetic location: 16q23.1.
Variant type: single nucleotide variant.
Coding change: c.746C>G on transcript NM_018975.4 (MANE Select); coding-DNA position 746, C replaced by G.
Protein change: p.Ala249Gly; replaces alanine 249 with glycine.
Molecular consequence: missense variant. On other transcripts: non-coding transcript variant (1).
Genome position (GRCh38, 1-based): chr16:75,654,348, C>G. VCF-style: chr16-75654348-C-G. GRCh37 (hg19) VCF-style: chr16-75688246-C-G.
Other names: short protein forms A249G.
Identifiers: ClinVar variation 1759048 (VCV001759048.3), dbSNP rs1257345800, ClinGen allele CA396819189.

ClinVar aggregate classification (germline): Uncertain significance (1 of 4 stars; one submission).

Allele frequency attached by ClinVar (database versions not stated): gnomAD exomes 0.00001.

Submission:

Ambry Genetics
Classification: Uncertain significance. Last evaluated: 2024-10-19. Review status: criteria provided, single submitter. Criteria: Ambry Variant Classification Scheme 2023. Collection method: clinical testing. Allele origin: germline.
Comment: The p.A249G variant (also known as c.746C>G), located in coding exon 2 of the TERF2IP gene, results from a C to G substitution at nucleotide position 746. The alanine at codon 249 is replaced by glycine, an amino acid with similar properties. This amino acid position is conserved. In addition, this alteration is predicted to be tolerated by in silico analysis. Since supporting evidence is limited at this time, the clinical significance of this alteration remains unclear.